The following is an entry in ClinVar:

ClinVar aggregate classification (germline): Uncertain significance. Review status: criteria provided, multiple submitters, no conflicts (2 of 4 stars). 2 submissions from 2 submitters: Uncertain significance (2). Last evaluated 2025-10-13.

Conditions:
Mitochondrial complex II deficiency, nuclear type 1. Also called: SUCCINATE CoQ REDUCTASE DEFICIENCY. Identifiers: Orphanet 3208, MedGen C5700310, MONDO:0100294, OMIM 252011.
Pheochromocytoma/paraganglioma syndrome 5. Also called: Paragangliomas 5; SDHA-Related Hereditary Paraganglioma-Pheochromocytoma Syndrome. Identifiers: Orphanet 29072, MedGen C3279992, MONDO:0013602, OMIM 614165.
Hereditary cancer-predisposing syndrome. Also called: Hereditary Cancer Syndrome; Neoplastic Syndromes, Hereditary; Tumor predisposition; Hereditary neoplastic syndrome. Identifiers: Orphanet 140162, MedGen C0027672, MeSH D009386, MONDO:0015356.

Submissions (2):

Labcorp Genetics (formerly Invitae), Labcorp
Classification: Uncertain significance for Pheochromocytoma/paraganglioma syndrome 5; Mitochondrial complex II deficiency, nuclear type 1. Last evaluated: 2025-10-13. Review status: criteria provided, single submitter. Criteria: Invitae Variant Classification Sherloc (09022015). Collection method: clinical testing. Allele origin: germline.
Comment: This sequence change replaces leucine, which is neutral and non-polar, with valine, which is neutral and non-polar, at codon 237 of the SDHA protein (p.Leu237Val). This variant is not present in population databases (gnomAD no frequency). This variant has not been reported in the literature in individuals affected with SDHA-related conditions. ClinVar contains an entry for this variant (Variation ID: 2135298). Invitae Evidence Modeling of protein sequence and biophysical properties (such as structural, functional, and spatial information, amino acid conservation, physicochemical variation, residue mobility, and thermodynamic stability) indicates that this missense variant is not expected to disrupt SDHA protein function with a negative predictive value of 95%. In summary, the available evidence is currently insufficient to determine the role of this variant in disease. Therefore, it has been classified as a Variant of Uncertain Significance.

Ambry Genetics
Classification: Uncertain significance for Hereditary cancer-predisposing syndrome. Last evaluated: 2023-03-25. Review status: criteria provided, single submitter. Criteria: Ambry Variant Classification Scheme 2023. Collection method: clinical testing. Allele origin: germline.
Comment: The p.L237V variant (also known as c.709C>G), located in coding exon 6 of the SDHA gene, results from a C to G substitution at nucleotide position 709. The leucine at codon 237 is replaced by valine, an amino acid with highly similar properties. This amino acid position is conserved. In addition, the in silico prediction for this alteration is inconclusive. Since supporting evidence is limited at this time, the clinical significance of this alteration remains unclear.

NM_004168.4(SDHA):c.709C>G (p.Leu237Val)

Gene: SDHA (succinate dehydrogenase complex flavoprotein subunit A; plus strand). Cytogenetic location: 5p15.33.
Variant type: single nucleotide variant.
Coding change: c.709C>G on transcript NM_004168.4 (MANE Select); coding-DNA position 709, C replaced by G.
Protein change: p.Leu237Val; replaces leucine 237 with valine.
Molecular consequence: missense variant.
Genome position (GRCh38, 1-based): chr5:228,272, C>G. VCF-style: chr5-228272-C-G. GRCh37 (hg19) VCF-style: chr5-228387-C-G.
Other names: c.709C>G (NM_004168.2); c.565C>G, p.Leu189Val (NM_001294332.2); c.709C>G, p.Leu237Val (NM_001330758.2); short protein forms L189V, L237V.
Identifiers: ClinVar variation 2135298 (VCV002135298.6), dbSNP rs1735173554, ClinGen allele CA359010999.